The following is an entry in ClinVar:

NM_003151.4(STAT4):c.274-5_274-4dup

Gene: STAT4 (signal transducer and activator of transcription 4; minus strand). Cytogenetic location: 2q32.2.
Variant type: Duplication.
Coding change: c.274-5_274-4dup on transcript NM_003151.4 (MANE Select); 5 bases into the intron before coding-DNA position 274 through 4 bases into the intron before coding-DNA position 274, 2 bases duplicated (TT; older notation c.274-5_274-4dupTT).
Molecular consequence: intron variant.
Genome position (GRCh38, 1-based): chr2:191,076,329-191,076,330, AA duplicated on the plus strand (TT on the coding strand, the reverse complement: STAT4 is on the minus strand); duplicating any 2 consecutive bases within chr2:191,076,329-191,076,338 gives the same sequence; the c. name uses the placement nearest the transcript's 3' end. VCF-style (leftmost placement, unchanged base first): chr2-191076328-G-GAA. GRCh37 (hg19) VCF-style: chr2-191941054-G-GAA.
Other names: c.274-5_274-4dup (NM_001243835.2).
Identifiers: ClinVar variation 3770397 (VCV003770397.13).
Genomic context (GRCh38, chr2:191,076,328, plus strand): 5'-CCCTTAAACAGTTTGAAATAACCACAGCTACATGCATTGGATTTCCATGAAATTTTCCCT[G>GAA]AAAAAAAAAACAATGAGCAAAAATAACTAACGTAAAGCTTAAATATATGTATCATAAGAA-3'

ClinVar aggregate classification (germline): Likely benign (1 of 4 stars; one submission).

Submission:

CeGaT Center for Human Genetics Tuebingen
Classification: Likely benign. Last evaluated: 2025-01-01. Review status: criteria provided, single submitter. Criteria: CeGaT Center For Human Genetics Tuebingen Variant Classification Criteria Version 2. Collection method: clinical testing. Allele origin: germline. Affected: yes. Observed: 1 variant allele.
Comment: STAT4: BP4